The following is an entry in ClinVar:

NM_152703.5(SAMD9L):c.623C>G (p.Ala208Gly)

Gene: SAMD9L (sterile alpha motif domain containing 9 like; minus strand). Cytogenetic location: 7q21.2.
Variant type: single nucleotide variant.
Coding change: c.623C>G on transcript NM_152703.5 (MANE Select); coding-DNA position 623, C replaced by G.
Protein change: p.Ala208Gly; replaces alanine 208 with glycine.
Molecular consequence: missense variant.
Genome position (GRCh38, 1-based): chr7:93,135,349, G>C on the plus strand (C>G on the coding strand, the complement: SAMD9L is on the minus strand). VCF-style: chr7-93135349-G-C. GRCh37 (hg19) VCF-style: chr7-92764662-G-C.
Other names: c.623C>G, p.Ala208Gly (NM_001303496.3, NM_001303497.3, NM_001303498.3 and 5 more transcripts); short protein forms A208G.
Identifiers: ClinVar variation 4863916 (VCV004863916.1).

ClinVar aggregate classification (germline): Uncertain significance (1 of 4 stars; one submission).

Conditions:
Inborn genetic diseases. Identifiers: MedGen C0950123, MeSH D030342.

Submission:

Ambry Genetics
Classification: Uncertain significance for Inborn genetic diseases. Last evaluated: 2026-03-28. Review status: criteria provided, single submitter. Criteria: Ambry Variant Classification Scheme 2023. Collection method: clinical testing. Allele origin: germline.
Comment: The p.A208G variant (also known as c.623C>G), located in coding exon 1 of the SAMD9L gene, results from a C to G substitution at nucleotide position 623. The alanine at codon 208 is replaced by glycine, an amino acid with similar properties. This amino acid position is conserved. In addition, this alteration is predicted to be tolerated by in silico analysis. Based on the available evidence, the clinical significance of this variant remains unclear.